The following is an entry in ClinVar:

NM_001267550.2(TTN):c.39419C>T (p.Ala13140Val)

Gene: TTN (titin; minus strand). Cytogenetic location: 2q31.2.
Variant type: single nucleotide variant.
Coding change: c.39419C>T on transcript NM_001267550.2 (MANE Select); coding-DNA position 39419, C replaced by T.
Protein change: p.Ala13140Val; replaces alanine 13140 with valine.
Molecular consequence: missense variant. On other transcripts: intron variant (3).
Genome position (GRCh38, 1-based): chr2:178,651,710, G>A on the plus strand (C>T on the coding strand, the complement: TTN is on the minus strand). VCF-style: chr2-178651710-G-A. GRCh37 (hg19) VCF-style: chr2-179516437-G-A.
Other names: c.32117C>T, p.Ala10706Val (NM_133378.4); c.34898C>T, p.Ala11633Val (NM_001256850.1); c.13283-9393C>T (NM_003319.4); c.13859-9393C>T (NM_133437.4); c.13658-9393C>T (NM_133432.3); short protein forms A13140V, A10706V, A11633V.
Identifiers: ClinVar variation 46925 (VCV000046925.5), dbSNP rs397517556, ClinGen allele CA139535.
Genomic context (GRCh38, chr2:178,651,710, plus strand): 5'-TGGCAGTGAGGAATACCTTTCACTGGTGGTAGTTCAGGTTTTTTGGCAACGACAGCAGGT[G>A]CTTTCTTTTCTGGGACAGGTTTCTTAGGTGGTACGGTCACTAAAGAATTAGAAGGTATGT-3'
Protein context (NP_001254479.2, residues 13130-13150): PPKKPVPEKK[Ala13140Val]PAVVAKKPEL

ClinVar aggregate classification (germline): Uncertain significance (1 of 4 stars; one submission).

Allele frequency attached by ClinVar (database versions not stated): gnomAD below 0.00001 and 0.00001; gnomAD exomes 0.00005 and 0.00010; ExAC 0.00010.
gnomAD v4.1: 72 of 1,613,216 alleles (0.0045%); highest among the groups gnomAD compares: South Asian, 0.07%; 1 homozygote.

Submission:

Laboratory for Molecular Medicine, Mass General Brigham Personalized Medicine
Classification: Uncertain significance. Last evaluated: 2012-08-21. Review status: criteria provided, single submitter. Criteria: LMM Criteria. Collection method: clinical testing. Allele origin: germline. Observed: 1 variant allele.
Comment: The Ala10706Val variant in TTN has not been reported in the literature nor previ ously identified by our laboratory. Computational analyses (biochemical amino ac id properties, conservation, AlignGVGD, PolyPhen2, and SIFT) suggest that the va riant may not impact the protein and another mammal (rabbit) carries a valine (V al; this variant) at this position despite high nearby amino acid conservation. However, this information is not predictive enough to rule out pathogenicity. Ad ditional information is needed to fully assess the clinical significance of this variant.